The following is an entry in ClinVar:

NM_000350.3(ABCA4):c.5461A>G (p.Thr1821Ala)

Gene: ABCA4 (ATP binding cassette subfamily A member 4; minus strand). Cytogenetic location: 1p22.1.
Variant type: single nucleotide variant.
Coding change: c.5461A>G on transcript NM_000350.3 (MANE Select); coding-DNA position 5461, A replaced by G.
Protein change: p.Thr1821Ala; replaces threonine 1821 with alanine.
Molecular consequence: missense variant.
Genome position (GRCh38, 1-based): chr1:94,011,385, T>C on the plus strand (A>G on the coding strand, the complement: ABCA4 is on the minus strand). VCF-style: chr1-94011385-T-C. GRCh37 (hg19) VCF-style: chr1-94476941-T-C.
Other names: c.5239A>G, p.Thr1747Ala (NM_001425324.1); short protein forms T1821A, T1747A.
Identifiers: ClinVar variation 1466431 (VCV001466431.3), dbSNP rs2101008570, ClinGen allele CA341281209.
Genomic context (GRCh38, chr1:94,011,385, plus strand): 5'-GGCAGAAGTGGGGGAAGACAATGAGCAGCTTCCTCAGCACGGCGTTGAACCTGAGCAGCG[T>C]CTGAAACAGAGAAGTAGGACTGTTGGAAACGGGGCAAACCCCACCCCCCCTCTCTTCAGC-3'
Protein context (NP_000341.2, residues 1811-1831): FILELFENNR[Thr1821Ala]LLRFNAVLRK

ClinVar aggregate classification (germline): Uncertain significance (1 of 4 stars; one submission).

gnomAD v4.1: 2 of 1,613,824 alleles (0.00012%); no homozygotes.

Submission:

Labcorp Genetics (formerly Invitae), Labcorp
Classification: Uncertain significance. Last evaluated: 2022-07-12. Review status: criteria provided, single submitter. Criteria: Invitae Variant Classification Sherloc (09022015). Collection method: clinical testing. Allele origin: germline.
Comment: This sequence change replaces threonine, which is neutral and polar, with alanine, which is neutral and non-polar, at codon 1821 of the ABCA4 protein (p.Thr1821Ala). This variant is not present in population databases (gnomAD no frequency). This variant has not been reported in the literature in individuals affected with ABCA4-related conditions. ClinVar contains an entry for this variant (Variation ID: 1466431). Algorithms developed to predict the effect of missense changes on protein structure and function output the following: SIFT: "Tolerated"; PolyPhen-2: "Benign"; Align-GVGD: "Class C0". The alanine amino acid residue is found in multiple mammalian species, which suggests that this missense change does not adversely affect protein function. In summary, the available evidence is currently insufficient to determine the role of this variant in disease. Therefore, it has been classified as a Variant of Uncertain Significance.